The following is an entry in ClinVar:

NM_002470.4(MYH3):c.3436G>T (p.Glu1146Ter)

Gene: MYH3 (myosin heavy chain 3; minus strand). Cytogenetic location: 17p13.1.
Variant type: single nucleotide variant.
Coding change: c.3436G>T on transcript NM_002470.4 (MANE Select); coding-DNA position 3436, G replaced by T.
Protein change: p.Glu1146Ter; replaces glutamic acid 1146 with a stop codon.
Molecular consequence: nonsense.
Genome position (GRCh38, 1-based): chr17:10,638,336, C>A on the plus strand (G>T on the coding strand, the complement: MYH3 is on the minus strand). VCF-style: chr17-10638336-C-A. GRCh37 (hg19) VCF-style: chr17-10541653-C-A.
Other names: short protein forms E1146*.
Identifiers: ClinVar variation 1466873 (VCV001466873.6), dbSNP rs1351684695, ClinGen allele CA398152099.

ClinVar aggregate classification (germline): Pathogenic (1 of 4 stars; one submission).

Allele frequency attached by ClinVar (database versions not stated): gnomAD exomes below 0.00001.
gnomAD v4.1: 5 of 1,611,276 alleles (0.00031%); highest among the groups gnomAD compares: Non-Finnish European, 0.00042%; no homozygotes.

Submission:

Labcorp Genetics (formerly Invitae), Labcorp
Classification: Pathogenic. Last evaluated: 2022-03-11. Review status: criteria provided, single submitter. Criteria: Invitae Variant Classification Sherloc (09022015). Collection method: clinical testing. Allele origin: germline.
Comment: For these reasons, this variant has been classified as Pathogenic. This variant has not been reported in the literature in individuals affected with MYH3-related conditions. This variant is not present in population databases (gnomAD no frequency). This sequence change creates a premature translational stop signal (p.Glu1146*) in the MYH3 gene. It is expected to result in an absent or disrupted protein product. Loss-of-function variants in MYH3 are known to be pathogenic (PMID: 29805041, 30008475).

Literature cited by the submitters: PubMed 29805041; PubMed 30008475.